The following is an entry in ClinVar:

NM_003742.4(ABCB11):c.434A>T (p.Tyr145Phe)

Gene: ABCB11 (ATP binding cassette subfamily B member 11; minus strand). Cytogenetic location: 2q31.1.
Variant type: single nucleotide variant.
Coding change: c.434A>T on transcript NM_003742.4 (MANE Select); coding-DNA position 434, A replaced by T.
Protein change: p.Tyr145Phe; replaces tyrosine 145 with phenylalanine.
Molecular consequence: missense variant.
Genome position (GRCh38, 1-based): chr2:168,996,678, T>A on the plus strand (A>T on the coding strand, the complement: ABCB11 is on the minus strand). VCF-style: chr2-168996678-T-A. GRCh37 (hg19) VCF-style: chr2-169853188-T-A.
Other names: short protein forms Y145F.
Identifiers: ClinVar variation 4846226 (VCV004846226.1).
Genomic context (GRCh38, chr2:168,996,678, plus strand): 5'-ACGGAGGAGCTACTAACTTGAATATATCCTGTGATAAGTACTGCGACAGCAATTCCAGCA[T>A]AGTAACTGGCAAATTTGATCATTTCGCTCTCGATGTTCAGCAACCTTCAAAAGAGGGAAA-3'
Protein context (NP_003733.2, residues 135-155): ESEMIKFASY[Tyr145Phe]AGIAVAVLIT

ClinVar aggregate classification (germline): Uncertain significance (1 of 4 stars; one submission).

Conditions:
Familial intrahepatic cholestasis. Identifiers: Orphanet 284385, MedGen CN296401, MONDO:0017290.

Submission:

Genomenon, Inc
Classification: Uncertain significance for Familial intrahepatic cholestasis. Last evaluated: 2026-04-14. Review status: criteria provided, single submitter. Criteria: Genomenon Sequence Variant Interpretation Standards - Updated. Collection method: curation. Allele origin: germline. Affected: no.
Comment: ABCB11 p.Tyr145Phe (c.434A>T) is a missense variant that changes the amino acid at residue 145 from Tyrosine to Phenylalanine. To our knowledge, this variant has not been reported in patients affected with an ABCB11-related disorder in the published literature. At least one functional study has demonstrated a substantial alteration in protein function relative to the wild-type (PMID:35043010). It is absent or not present at a significant frequency in gnomAD. In silico models predict that this variant is possibly or probably damaging. In conclusion, we classify ABCB11 p.Tyr145Phe (c.434A>T) as a variant of uncertain significance.

Literature cited by the submitters: PubMed 35043010.